The following is an entry in ClinVar:

NM_001278116.2(L1CAM):c.198-1G>T

Gene: L1CAM (L1 cell adhesion molecule; minus strand). Cytogenetic location: Xq28.
Variant type: single nucleotide variant.
Coding change: c.198-1G>T on transcript NM_001278116.2 (MANE Select); the canonical splice acceptor site of the intron before coding-DNA position 198, G replaced by T.
Molecular consequence: splice acceptor variant.
Genome position (GRCh38, 1-based): chrX:153,872,355, C>A on the plus strand (G>T on the coding strand, the complement: L1CAM is on the minus strand). VCF-style: chrX-153872355-C-A. GRCh37 (hg19) VCF-style: chrX-153137810-C-A.
Other names: c.183-1G>T (NM_001143963.2); c.198-1G>T (NM_024003.3, NM_000425.5).
Identifiers: ClinVar variation 4795943 (VCV004795943.1).
Genomic context (GRCh38, chrX:153,872,355, plus strand): 5'-ACGGTCACACCCAGCTCTTCCTTGGGTTTGAAGTGGACACCATCCCTCGTCCAGCGGAAC[C>A]TGTGGGCGGAAAAAGGCCCAGAGGCCTGAGGCCCTGGAACCCAACGGGGGCTGGAACAGG-3'

ClinVar aggregate classification (germline): Likely pathogenic (1 of 4 stars; one submission).

Conditions:
X-linked L1CAM-related disorders.

Submission:

Variantyx, Inc.
Classification: Likely pathogenic for X-linked L1CAM-related disorders. Last evaluated: 2025-04-22. Review status: criteria provided, single submitter. Criteria: Variantyx Assertion Criteria 2022. Collection method: clinical testing. Allele origin: maternal. Inheritance: X-linked recessive inheritance.
Comment: This is a canonical splicing variant in the L1CAM gene (OMIM: 308840). Pathogenic variants in this gene have been associated with X-linked L1CAM-related disorders. This splicing variant is expected to result in loss of function, which is a known disease mechanism for L1CAM in this disorder (PMID: 19846429) (PVS1). This variant is absent from control populations (PM2). Based on the current evidence, this variant is classified as likely pathogenic for X-linked L1CAM-related disorders.

Literature cited by the submitters: PubMed 19846429.